The following is an entry in ClinVar:

NM_000038.6(APC):c.8282C>G (p.Pro2761Arg)

Gene: APC (APC regulator of Wnt signaling pathway; plus strand). Cytogenetic location: 5q22.2.
Variant type: single nucleotide variant.
Coding change: c.8282C>G on transcript NM_000038.6 (MANE Select); coding-DNA position 8282, C replaced by G.
Protein change: p.Pro2761Arg; replaces proline 2761 with arginine.
Molecular consequence: missense variant.
Genome position (GRCh38, 1-based): chr5:112,843,876, C>G. VCF-style: chr5-112843876-C-G. GRCh37 (hg19) VCF-style: chr5-112179573-C-G.
Other names: c.7802C>G, p.Pro2601Arg (NM_001354905.2); c.7433C>G, p.Pro2478Arg (NM_001354906.2); c.8282C>G, p.Pro2761Arg (NM_001127510.3, NM_001354895.2); c.8228C>G, p.Pro2743Arg (NM_001127511.3); c.8336C>G, p.Pro2779Arg (NM_001354896.2); c.8312C>G, p.Pro2771Arg (NM_001354897.2); c.8207C>G, p.Pro2736Arg (NM_001354898.2); c.8198C>G, p.Pro2733Arg (NM_001354899.2); and 5 more; short protein forms P2743R, P2761R, P2660R, P2736R, P2670R, P2702R, P2771R, P2779R.
Identifiers: ClinVar variation 187373 (VCV000187373.24), dbSNP rs757874563, ClinGen allele CA014537.

ClinVar aggregate classification (germline): Uncertain significance. Review status: criteria provided, multiple submitters, no conflicts (2 of 4 stars). 4 submissions from 4 submitters: Uncertain significance (4). Last evaluated 2025-12-24.

Conditions:
Classic or attenuated familial adenomatous polyposis. Identifiers: MedGen CN372698, MONDO:0021057.
Hereditary cancer-predisposing syndrome. Also called: Neoplastic Syndromes, Hereditary; Tumor predisposition; Hereditary Cancer Syndrome; Hereditary neoplastic syndrome. Identifiers: Orphanet 140162, MedGen C0027672, MeSH D009386, MONDO:0015356.
Familial adenomatous polyposis 1 (FAP1). Also called: FAMILIAL ADENOMATOUS POLYPOSIS 1, ATTENUATED; POLYPOSIS, ADENOMATOUS INTESTINAL. Identifiers: MedGen C2713442, MONDO:0021056, OMIM 175100. Disease mechanism: loss of function.

gnomAD v4.1: 2 of 1,614,026 alleles (0.00012%); highest among the groups gnomAD compares: Non-Finnish European, 0.00017%; no homozygotes.

Submissions (4):

Labcorp Genetics (formerly Invitae), Labcorp
Classification: Uncertain significance for Familial adenomatous polyposis 1. Last evaluated: 2025-12-24. Review status: criteria provided, single submitter. Criteria: Invitae Variant Classification Sherloc (09022015). Collection method: clinical testing. Allele origin: germline.
Comment: This sequence change replaces proline, which is neutral and non-polar, with arginine, which is basic and polar, at codon 2761 of the APC protein (p.Pro2761Arg). This variant is not present in population databases (gnomAD no frequency). This variant has not been reported in the literature in individuals affected with APC-related conditions. ClinVar contains an entry for this variant (Variation ID: 187373). Invitae Evidence Modeling of protein sequence and biophysical properties (such as structural, functional, and spatial information, amino acid conservation, physicochemical variation, residue mobility, and thermodynamic stability) indicates that this missense variant is not expected to disrupt APC protein function with a negative predictive value of 95%. In summary, the available evidence is currently insufficient to determine the role of this variant in disease. Therefore, it has been classified as a Variant of Uncertain Significance.

Ambry Genetics
Classification: Uncertain significance for Hereditary cancer-predisposing syndrome. Last evaluated: 2025-07-14. Review status: criteria provided, single submitter. Criteria: Ambry Variant Classification Scheme 2023. Collection method: clinical testing. Allele origin: germline.
Comment: The p.P2761R variant (also known as c.8282C>G), located in coding exon 15 of the APC gene, results from a C to G substitution at nucleotide position 8282. The proline at codon 2761 is replaced by arginine, an amino acid with dissimilar properties. This amino acid position is highly conserved in available vertebrate species. In addition, in silico predictors for this gene do not accurately predict pathogenicity. Since supporting evidence is limited at this time, the clinical significance of this alteration remains unclear.

All of Us Research Program, National Institutes of Health
Classification: Uncertain significance for Classic or attenuated familial adenomatous polyposis. Last evaluated: 2024-08-06. Review status: criteria provided, single submitter. Criteria: ACMG Guidelines, 2015. Collection method: clinical testing. Allele origin: germline. Inheritance: Autosomal dominant inheritance. Observed: 1 variant allele, 1 heterozygote.
Comment: This missense variant replaces proline with arginine at codon 2761 of the APC protein. Computational prediction suggests that this variant may not impact protein structure and function (internally defined REVEL score threshold <= 0.5, PMID: 27666373). To our knowledge, functional studies have not been reported for this variant. This variant has not been reported in individuals affected with hereditary cancer in the literature. This variant has not been identified in the general population by the Genome Aggregation Database (gnomAD). The available evidence is insufficient to determine the role of this variant in disease conclusively. Therefore, this variant is classified as a Variant of Uncertain Significance.

This study involves interpretation of variants in research participants for the purpose of population health screening. Participant phenotype was not available at the time of variant classification. Additional details can be found in publication PMID: 35346344, PMCID: PMC8962531

Color Diagnostics, LLC DBA Color Health
Classification: Uncertain significance for Hereditary cancer-predisposing syndrome. Last evaluated: 2022-04-27. Review status: criteria provided, single submitter. Criteria: ACMG Guidelines, 2015. Collection method: clinical testing. Allele origin: germline.
Comment: This missense variant replaces proline with arginine at codon 2761 of the APC protein. Computational prediction suggests that this variant may not impact protein structure and function (internally defined REVEL score threshold <= 0.5, PMID: 27666373). To our knowledge, functional studies have not been reported for this variant. This variant has not been reported in individuals affected with hereditary cancer in the literature. This variant has not been identified in the general population by the Genome Aggregation Database (gnomAD). The available evidence is insufficient to determine the role of this variant in disease conclusively. Therefore, this variant is classified as a Variant of Uncertain Significance.